The following is an entry in ClinVar:

ClinVar aggregate classification (germline): Pathogenic (1 of 4 stars; one submission).

Submission:

GeneDx
Classification: Pathogenic. Last evaluated: 2024-05-02. Review status: criteria provided, single submitter. Criteria: GeneDx Variant Classification Process June 2021. Collection method: clinical testing. Allele origin: germline. Affected: yes.
Comment: Nonsense variant predicted to result in protein truncation or nonsense mediated decay in a gene for which loss of function is a known mechanism of disease; Not observed at significant frequency in large population cohorts (gnomAD); This variant is associated with the following publications: (PMID: 25525159, 28645800, 18300272)

NM_031443.4(CCM2):c.622G>T (p.Glu208Ter)

Gene: CCM2 (CCM2 scaffold protein; plus strand). Cytogenetic location: 7p13.
Variant type: single nucleotide variant.
Coding change: c.622G>T on transcript NM_031443.4 (MANE Select); coding-DNA position 622, G replaced by T.
Protein change: p.Glu208Ter; replaces glutamic acid 208 with a stop codon.
Molecular consequence: nonsense. On other transcripts: non-coding transcript variant (1), intron variant (1).
Genome position (GRCh38, 1-based): chr7:45,069,838, G>T. VCF-style: chr7-45069838-G-T. GRCh37 (hg19) VCF-style: chr7-45109437-G-T.
Other names: c.685G>T, p.Glu229Ter (NM_001029835.2); c.448G>T, p.Glu150Ter (NM_001167934.2, NM_001363459.2); c.622G>T, p.Glu208Ter (NM_001363458.2); c.473-2888G>T (NM_001167935.2); short protein forms E150*, E208*, E229*.
Identifiers: ClinVar variation 3370770 (VCV003370770.1).